The following is an entry in ClinVar:

NM_014314.4(RIGI):c.1447G>A (p.Glu483Lys)

Gene: RIGI (RNA sensor RIG-I; minus strand). Cytogenetic location: 9p21.1.
Variant type: single nucleotide variant.
Coding change: c.1447G>A on transcript NM_014314.4 (MANE Select); coding-DNA position 1447, G replaced by A.
Protein change: p.Glu483Lys; replaces glutamic acid 483 with lysine.
Molecular consequence: missense variant.
Genome position (GRCh38, 1-based): chr9:32,485,208, C>T on the plus strand (G>A on the coding strand, the complement: RIGI is on the minus strand). VCF-style: chr9-32485208-C-T. GRCh37 (hg19) VCF-style: chr9-32485206-C-T.
Other names: c.1441G>A, p.Glu481Lys (NM_001385907.1); c.1447G>A, p.Glu483Lys (NM_001385909.1); c.1006G>A, p.Glu336Lys (NM_001385910.1); c.838G>A, p.Glu280Lys (NM_001385912.1); c.1432G>A, p.Glu478Lys (NM_001385913.1); c.1003G>A, p.Glu335Lys (NM_001385914.1); short protein forms E481K, E483K, E335K, E478K, E280K, E336K.
Identifiers: ClinVar variation 3680156 (VCV003680156.2).

ClinVar aggregate classification (germline): Uncertain significance (1 of 4 stars; one submission).

gnomAD v4.1: 1 of 1,608,618 alleles (0.000062%); highest among the groups gnomAD compares: Non-Finnish European, 0.000085%; no homozygotes.

Submission:

Labcorp Genetics (formerly Invitae), Labcorp
Classification: Uncertain significance. Last evaluated: 2024-11-21. Review status: criteria provided, single submitter. Criteria: Invitae Variant Classification Sherloc (09022015). Collection method: clinical testing. Allele origin: germline.
Comment: This sequence change replaces glutamic acid, which is acidic and polar, with lysine, which is basic and polar, at codon 483 of the DDX58 protein (p.Glu483Lys). This variant is not present in population databases (gnomAD no frequency). This variant has not been reported in the literature in individuals affected with DDX58-related conditions. Invitae Evidence Modeling of protein sequence and biophysical properties (such as structural, functional, and spatial information, amino acid conservation, physicochemical variation, residue mobility, and thermodynamic stability) indicates that this missense variant is expected to disrupt DDX58 protein function with a positive predictive value of 80%. In summary, the available evidence is currently insufficient to determine the role of this variant in disease. Therefore, it has been classified as a Variant of Uncertain Significance.